The following is an entry in ClinVar:

ClinVar aggregate classification (germline): Pathogenic (1 of 4 stars; one submission).

Submission:

GeneDx
Classification: Pathogenic. Last evaluated: 2017-11-24. Review status: criteria provided, single submitter. Criteria: GeneDx Variant Classification (06012015). Collection method: clinical testing. Allele origin: germline. Affected: yes.
Comment: The c.2178_2179insCTAA pathogenic variant in the CHD7 gene causes a frameshift starting with codon Aspartic acid 728, changes this amino acid to an Isoleucine residue and creates a premature Stop codon at position 12 of the new reading frame, denoted p.Asp728IlefsX12. This pathogenic variant is predicted to cause loss of normal protein function either through protein truncation or nonsense-mediated mRNA decay. Additionally, the c.2178_2179insCTAA variant is not observed in large population cohorts (Lek et al., 2016). Therefore, this variant is pathogenic.

NM_017780.4(CHD7):c.2178_2179insCTAA (p.Asp728fs)

Gene: CHD7 (chromodomain helicase DNA binding protein 7; plus strand). Cytogenetic location: 8q12.2.
Variant type: Insertion.
Coding change: c.2178_2179insCTAA on transcript NM_017780.4 (MANE Select); coding-DNA positions 2178 to 2179, CTAA inserted.
Protein change: p.Asp728fs; shifts the reading frame from aspartic acid 728.
Molecular consequence: frameshift variant. On other transcripts: intron variant (1).
Genome position: GRCh38 VCF-style: chr8-60795067-C-CCTAA. GRCh37 (hg19) VCF-style: chr8-61707626-C-CCTAA.
Other names: c.2178_2179insCTAA (LRG_176t1); c.1716+14017_1716+14018insCTAA (NM_001316690.1); short protein forms D728fs.
Identifiers: ClinVar variation 503878 (VCV000503878.2), dbSNP rs1554591634, ClinGen allele CA658795351.
Genomic context (GRCh38, chr8:60,795,067, plus strand): 5'-AGCAAGTGCTTTGAAGAAAAAGGTCAACAAGGGAAAAACAGAAGGTTCTGAAAATTCAGA[C>CCTAA]TTAGACAAAACACCCCCACCATCTCCTCCTCCTGAAGAAGATGAGGACCCAGGTGTTCAG-3'